The following is an entry in ClinVar:

ClinVar aggregate classification (germline): Uncertain significance. Review status: criteria provided, multiple submitters, no conflicts (2 of 4 stars). 2 submissions from 2 submitters: Uncertain significance (2). Last evaluated 2022-09-20.

Conditions:
Cardiovascular phenotype. Identifiers: MedGen CN230736.
Long QT syndrome (LQTS). Identifiers: MedGen C0023976, MeSH D008133, MONDO:0002442. Disease mechanism: loss of function. Inheritance: Various modes of inheritance.

Submissions (2):

Labcorp Genetics (formerly Invitae), Labcorp
Classification: Uncertain significance for Long QT syndrome. Last evaluated: 2022-09-20. Review status: criteria provided, single submitter. Criteria: Invitae Variant Classification Sherloc (09022015). Collection method: clinical testing. Allele origin: germline.
Comment: This variant is not present in population databases (gnomAD no frequency). In summary, the available evidence is currently insufficient to determine the role of this variant in disease. Therefore, it has been classified as a Variant of Uncertain Significance. Algorithms developed to predict the effect of missense changes on protein structure and function (SIFT, PolyPhen-2, Align-GVGD) all suggest that this variant is likely to be tolerated. This variant has not been reported in the literature in individuals affected with AKAP9-related conditions. This sequence change replaces asparagine, which is neutral and polar, with threonine, which is neutral and polar, at codon 1092 of the AKAP9 protein (p.Asn1092Thr).

Ambry Genetics
Classification: Uncertain significance for Cardiovascular phenotype. Last evaluated: 2019-09-12. Review status: criteria provided, single submitter. Criteria: Ambry Variant Classification Scheme 2023. Collection method: clinical testing. Allele origin: germline.
Comment: The p.N1092T variant (also known as c.3275A>C), located in coding exon 8 of the AKAP9 gene, results from an A to C substitution at nucleotide position 3275. The asparagine at codon 1092 is replaced by threonine, an amino acid with similar properties. This amino acid position is not well conserved in available vertebrate species. In addition, this alteration is predicted to be tolerated by in silico analysis. Since supporting evidence is limited at this time, the clinical significance of this alteration remains unclear.

NM_005751.5(AKAP9):c.3275A>C (p.Asn1092Thr)

Gene: AKAP9 (A-kinase anchoring protein 9; plus strand). Cytogenetic location: 7q21.2.
Variant type: single nucleotide variant.
Coding change: c.3275A>C on transcript NM_005751.5 (MANE Select); coding-DNA position 3275, A replaced by C.
Protein change: p.Asn1092Thr; replaces asparagine 1092 with threonine.
Molecular consequence: missense variant.
Genome position (GRCh38, 1-based): chr7:92,003,192, A>C. VCF-style: chr7-92003192-A-C. GRCh37 (hg19) VCF-style: chr7-91632506-A-C.
Other names: c.3275A>C, p.Asn1092Thr (NM_147185.3); short protein forms N1092T.
Identifiers: ClinVar variation 1729661 (VCV001729661.7), dbSNP rs2484697145, ClinGen allele CA368126720.